The following is an entry in ClinVar:

ClinVar aggregate classification (germline): Uncertain significance (1 of 4 stars; one submission).

Conditions:
Paroxysmal central nervous system disorders.

gnomAD v4.1: 1 of 1,614,152 alleles (0.000062%); no homozygotes.

Submission:

Cambridge Genomics Laboratory, East Genomic Laboratory Hub, NHS Genomic Medicine Service
Classification: Uncertain significance for Paroxysmal central nervous system disorders. Last evaluated: 2025-03-12. Review status: criteria provided, single submitter. Criteria: ACGS Best Practice Guidelines for Variant Classification in Rare Disease 2020. Collection method: clinical testing. Allele origin: germline. Affected: yes.
Comment: PM2,PP2,BP4

NM_001130823.3(DNMT1):c.3104A>G (p.Asn1035Ser)

Gene: DNMT1 (DNA methyltransferase 1; minus strand). Cytogenetic location: 19p13.2.
Variant type: single nucleotide variant.
Coding change: c.3104A>G on transcript NM_001130823.3 (MANE Select); coding-DNA position 3104, A replaced by G.
Protein change: p.Asn1035Ser; replaces asparagine 1035 with serine.
Molecular consequence: missense variant.
Genome position (GRCh38, 1-based): chr19:10,143,778, T>C on the plus strand (A>G on the coding strand, the complement: DNMT1 is on the minus strand). VCF-style: chr19-10143778-T-C. GRCh37 (hg19) VCF-style: chr19-10254454-T-C.
Other names: c.3056A>G, p.Asn1019Ser (NM_001318730.2, NM_001379.4); c.2741A>G, p.Asn914Ser (NM_001318731.2); short protein forms N1019S, N1035S, N914S.
Identifiers: ClinVar variation 4683151 (VCV004683151.1).